The following is an entry in ClinVar:

ClinVar aggregate classification (germline): Uncertain significance (1 of 4 stars; one submission).

Conditions:
Tuberous sclerosis 1 (TSC1). Identifiers: Orphanet 805, MedGen C1854465, MONDO:0008612, OMIM 191100.

Submission:

Labcorp Genetics (formerly Invitae), Labcorp
Classification: Uncertain significance for Tuberous sclerosis 1. Last evaluated: 2023-05-15. Review status: criteria provided, single submitter. Criteria: Invitae Variant Classification Sherloc (09022015). Collection method: clinical testing. Allele origin: germline.
Comment: In summary, the available evidence is currently insufficient to determine the role of this variant in disease. Therefore, it has been classified as a Variant of Uncertain Significance. An algorithm developed to predict the effect of missense changes on protein structure and function (PolyPhen-2) suggests that this variant is likely to be disruptive. ClinVar contains an entry for this variant (Variation ID: 1718991). This variant has not been reported in the literature in individuals affected with TSC1-related conditions. This variant is not present in population databases (gnomAD no frequency). This sequence change replaces proline, which is neutral and non-polar, with alanine, which is neutral and non-polar, at codon 222 of the TSC1 protein (p.Pro222Ala).

NM_000368.5(TSC1):c.664C>G (p.Pro222Ala)

Gene: TSC1 (TSC complex subunit 1; minus strand). Cytogenetic location: 9q34.13.
Variant type: single nucleotide variant.
Coding change: c.664C>G on transcript NM_000368.5 (MANE Select); coding-DNA position 664, C replaced by G.
Protein change: p.Pro222Ala; replaces proline 222 with alanine.
Molecular consequence: missense variant.
Genome position (GRCh38, 1-based): chr9:132,921,436, G>C on the plus strand (C>G on the coding strand, the complement: TSC1 is on the minus strand). VCF-style: chr9-132921436-G-C. GRCh37 (hg19) VCF-style: chr9-135796823-G-C.
Other names: c.301C>G, p.Pro101Ala (NM_001406620.1, NM_001406621.1, NM_001406622.1 and 10 more transcripts); c.-430C>G (NM_001406630.1); c.664C>G, p.Pro222Ala (NM_001162426.2, NM_001406592.1, NM_001406593.1 and 16 more transcripts); c.511C>G, p.Pro171Ala (NM_001162427.2, NM_001406610.1, NM_001406611.1 and 2 more transcripts); short protein forms P101A, P171A, P222A.
Identifiers: ClinVar variation 1718991 (VCV001718991.5), dbSNP rs2132138508, ClinGen allele CA375371547.